The following is an entry in ClinVar:

ClinVar aggregate classification (germline): Uncertain significance (1 of 4 stars; one submission).

Conditions:
Hypertrophic cardiomyopathy. Also called: HYPERTROPHIC MYOCARDIOPATHY. Identifiers: Orphanet 217569, MedGen C0007194, MeSH D002312, MONDO:0005045, HP:0001639.

Allele frequency attached by ClinVar (database versions not stated): gnomAD exomes below 0.00001 and 0.00001; TOPMed below 0.00001; gnomAD 0.00001.

Submission:

Center for Human Genetics, University of Leuven
Classification: Uncertain significance for Hypertrophic cardiomyopathy. Last evaluated: 2017-02-09. Review status: criteria provided, single submitter. Criteria: ACMG Guidelines, 2015. Collection method: clinical testing. Allele origin: germline. Inheritance: Autosomal dominant inheritance. Affected: yes. Observed: 1 variant allele.
Comment: ACMG score unknown significance

NM_033118.4(MYLK2):c.1189A>G (p.Met397Val)

Gene: MYLK2 (myosin light chain kinase 2; plus strand). Cytogenetic location: 20q11.21.
Variant type: single nucleotide variant.
Coding change: c.1189A>G on transcript NM_033118.4 (MANE Select); coding-DNA position 1189, A replaced by G.
Protein change: p.Met397Val; replaces methionine 397 with valine.
Molecular consequence: missense variant.
Genome position (GRCh38, 1-based): chr20:31,826,903, A>G. VCF-style: chr20-31826903-A-G. GRCh37 (hg19) VCF-style: chr20-30414706-A-G.
Other names: short protein forms M397V.
Identifiers: ClinVar variation 427952 (VCV000427952.2), dbSNP rs1490196764, ClinGen allele CA408527303.